The following is an entry in ClinVar:

NM_002019.4(FLT1):c.3175-69A>T

Gene: FLT1 (fms related receptor tyrosine kinase 1; minus strand). Cytogenetic location: 13q12.3.
Variant type: single nucleotide variant.
Coding change: c.3175-69A>T on transcript NM_002019.4 (MANE Select); 69 bases into the intron before coding-DNA position 3175, A replaced by T.
Molecular consequence: intron variant.
Genome position (GRCh38, 1-based): chr13:28,319,603, T>A on the plus strand (A>T on the coding strand, the complement: FLT1 is on the minus strand). VCF-style: chr13-28319603-T-A. GRCh37 (hg19) VCF-style: chr13-28893740-T-A.
Identifiers: ClinVar variation 162073 (VCV000162073.2), dbSNP rs576912997, ClinGen allele CA251194.

ClinVar aggregate classification (germline): not provided (0 of 4 stars; one submission).

Conditions:
Carcinoma of colon (CRC). Also called: Colonic carcinoma; Colon carcinoma. Identifiers: MedGen C0699790, MONDO:0002032.

Submission:

Immunobiology Lab; University of Kashmir
No classification provided. Condition: Carcinoma of colon. Review status: no classification provided. Collection method: not provided. Allele origin: somatic.
ClinVar note: Converted during submission from untested to not provided.